The following is an entry in ClinVar:

ClinVar aggregate classification (germline): Uncertain significance (1 of 4 stars; one submission).

gnomAD v4.1: 1 of 1,613,564 alleles (0.000062%); no homozygotes.

Submission:

GeneDx
Classification: Uncertain significance. Last evaluated: 2023-05-24. Review status: criteria provided, single submitter. Criteria: GeneDx Variant Classification Process June 2021. Collection method: clinical testing. Allele origin: germline. Affected: yes.
Comment: Not observed at significant frequency in large population cohorts (gnomAD); In silico analysis supports that this missense variant has a deleterious effect on protein structure/function; Has not been previously published as pathogenic or benign to our knowledge; This variant is associated with the following publications: (PMID: 26125038, 21820098, 21376300)

NM_001244008.2(KIF1A):c.851C>T (p.Ala284Val)

Gene: KIF1A (kinesin family member 1A; minus strand). Cytogenetic location: 2q37.3.
Variant type: single nucleotide variant.
Coding change: c.851C>T on transcript NM_001244008.2 (MANE Select); coding-DNA position 851, C replaced by T.
Protein change: p.Ala284Val; replaces alanine 284 with valine.
Molecular consequence: missense variant.
Genome position (GRCh38, 1-based): chr2:240,783,057, G>A on the plus strand (C>T on the coding strand, the complement: KIF1A is on the minus strand). VCF-style: chr2-240783057-G-A. GRCh37 (hg19) VCF-style: chr2-241722474-G-A.
Other names: c.851C>T, p.Ala284Val (NM_001320705.2, NM_001330289.2, NM_001330290.2 and 20 more transcripts); short protein forms A284V.
Identifiers: ClinVar variation 3361944 (VCV003361944.1).
Genomic context (GRCh38, chr2:240,783,057, plus strand): 5'-AAGACCCTCTGGGGTTCTGGCTATGGAAGCCGGGCCGGGCCACTCACCATTTCAGCCAGG[G>A]CGGAGATGACCTTGCCCAGGGTGGTCAGCGACTTGTTGATGTTGGCCCCCTCCTGCGGGC-3'
Protein context (NP_001230937.1, residues 274-294): SLTTLGKVIS[Ala284Val]LAEMDSGPNK